The following is an entry in ClinVar:

ClinVar aggregate classification (germline): Likely benign (1 of 4 stars; one submission).

Allele frequency attached by ClinVar (database versions not stated): gnomAD exomes 0.00063; gnomAD 0.00066; ExAC 0.00072; ESP Exome Variant Server 0.00085; TOPMed 0.00088.
gnomAD v4.1: 1,066 of 1,610,890 alleles (0.066%); highest among the groups gnomAD compares: Middle Eastern, 2.5%; 10 homozygotes.

Submission:

CeGaT Center for Human Genetics Tuebingen
Classification: Likely benign. Last evaluated: 2023-07-01. Review status: criteria provided, single submitter. Criteria: CeGaT Center For Human Genetics Tuebingen Variant Classification Criteria Version 2. Collection method: clinical testing. Allele origin: germline. Affected: yes. Observed: 1 variant allele.
Comment: ZP3: BP4

NM_001110354.2(ZP3):c.536-4T>A

Gene: ZP3 (zona pellucida glycoprotein 3; plus strand). Cytogenetic location: 7q11.23.
Variant type: single nucleotide variant.
Coding change: c.536-4T>A on transcript NM_001110354.2 (MANE Select); 4 bases into the intron before coding-DNA position 536, T replaced by A.
Molecular consequence: intron variant.
Genome position (GRCh38, 1-based): chr7:76,433,466, T>A. VCF-style: chr7-76433466-T-A. GRCh37 (hg19) VCF-style: chr7-76062783-T-A.
Other names: c.383-4T>A (NM_007155.6).
Identifiers: ClinVar variation 2657624 (VCV002657624.24), dbSNP rs201797464, ClinGen allele CA4307417.
Genomic context (GRCh38, chr7:76,433,466, plus strand): 5'-CAGCCTCCCAAGGTGCTGGGATTACAGGCATGAGCCACCATGCCCAGCTGACTGTGTCTT[T>A]CAGAGAACTGGAACGCTGAGAAGAGGTCCCCCACCTTCCACCTGGGAGATGCAGCCCACC-3'